The following is an entry in ClinVar:

NM_015267.4(CUX2):c.859-8G>A

Gene: CUX2 (cut like homeobox 2; plus strand). Cytogenetic location: 12q24.12.
Variant type: single nucleotide variant.
Coding change: c.859-8G>A on transcript NM_015267.4 (MANE Select); 8 bases into the intron before coding-DNA position 859, G replaced by A.
Molecular consequence: intron variant.
Genome position (GRCh38, 1-based): chr12:111,306,913, G>A. VCF-style: chr12-111306913-G-A. GRCh37 (hg19) VCF-style: chr12-111744717-G-A.
Other names: c.673-8G>A (NM_001370598.1).
Identifiers: ClinVar variation 3895785 (VCV003895785.1).
Genomic context (GRCh38, chr12:111,306,913, plus strand): 5'-TGGGGAGGCCAGACCTGTGGACCCCCATCCCTCACCTCTCAGCCCCTCAAAGACCCCTTT[G>A]CCTGCAGGATAAGGTGAACTTCACTCTGTGCTCGGGCCCTCGGCTGGAGGCCGCGCTGGC-3'

ClinVar aggregate classification (germline): Uncertain significance (1 of 4 stars; one submission).

Submission:

Women's Health and Genetics/Laboratory Corporation of America, LabCorp
Classification: Uncertain significance. Last evaluated: 2025-03-07. Review status: criteria provided, single submitter. Criteria: LabCorp Variant Classification Summary - May 2015. Collection method: clinical testing. Allele origin: germline.
Comment: Variant summary: CUX2 c.859-8G>A alters a non-conserved nucleotide located close to a canonical splice site and therefore could affect mRNA splicing, leading to a significantly altered protein sequence. Consensus agreement among computation tools predict no significant impact on normal splicing. However, these predictions have yet to be confirmed by functional studies. The variant was absent in 228652 control chromosomes (gnomAD). The available data on variant occurrences in the general population are insufficient to allow any conclusion about variant significance. To our knowledge, no occurrence of c.859-8G>A in individuals affected with Early Infantile Epileptic Encephalopathy, Autosomal Dominant and no experimental evidence demonstrating its impact on protein function have been reported. No submitters have cited clinical-significance assessments for this variant to ClinVar. Based on the evidence outlined above, the variant was classified as uncertain significance.